The following is an entry in ClinVar:

NM_032043.3(BRIP1):c.2492G>A (p.Arg831Lys)

Gene: BRIP1 (BRCA1 interacting DNA helicase 1; minus strand). Cytogenetic location: 17q23.2.
Variant type: single nucleotide variant.
Coding change: c.2492G>A on transcript NM_032043.3 (MANE Select); coding-DNA position 2492, G replaced by A.
Protein change: p.Arg831Lys; replaces arginine 831 with lysine.
Molecular consequence: missense variant.
Genome position (GRCh38, 1-based): chr17:61,715,951, C>T on the plus strand (G>A on the coding strand, the complement: BRIP1 is on the minus strand). VCF-style: chr17-61715951-C-T. GRCh37 (hg19) VCF-style: chr17-59793312-C-T.
Other names: short protein forms R831K.
Identifiers: ClinVar variation 461112 (VCV000461112.9), dbSNP rs771382903, ClinGen allele CA8690521.

ClinVar aggregate classification (germline): Uncertain significance. Review status: criteria provided, multiple submitters, no conflicts (2 of 4 stars). 2 submissions from 2 submitters: Uncertain significance (2). Last evaluated 2025-03-18.

Conditions:
Hereditary cancer-predisposing syndrome. Also called: Hereditary neoplastic syndrome; Neoplastic Syndromes, Hereditary; Tumor predisposition; Hereditary Cancer Syndrome. Identifiers: Orphanet 140162, MedGen C0027672, MeSH D009386, MONDO:0015356.
Fanconi anemia complementation group J. Also called: BRIP1-Related Fanconi Anemia. Identifiers: Orphanet 84, MedGen C1836860, MONDO:0012187, OMIM 609054.
Familial cancer of breast. Also called: BREAST CANCER, FAMILIAL; hereditary breast carcinoma; Hereditary breast cancer. Identifiers: Orphanet 227535, MedGen C0346153, MONDO:0016419, OMIM 114480. Disease mechanism: loss of function.

Allele frequency attached by ClinVar (database versions not stated): gnomAD exomes below 0.00001; ExAC 0.00001.

Submissions (2):

Ambry Genetics
Classification: Uncertain significance for Hereditary cancer-predisposing syndrome. Last evaluated: 2025-03-18. Review status: criteria provided, single submitter. Criteria: Ambry Variant Classification Scheme 2023. Collection method: clinical testing. Allele origin: germline.
Comment: The p.R831K variant (also known as c.2492G>A), located in coding exon 16 of the BRIP1 gene, results from a G to A substitution at nucleotide position 2492. The arginine at codon 831 is replaced by lysine, an amino acid with highly similar properties. However, this change occurs in the last base pair of coding exon 16, which makes it likely to have some effect on normal mRNA splicing. This nucleotide position is highly conserved in available vertebrate species. This amino acid position is highly conserved in available vertebrate species. In silico splice site analysis predicts that this alteration will weaken the native splice donor site and will result in the creation or strengthening of a novel splice donor site. In addition, as a missense substitution this is predicted to be deleterious by in silico analysis. Based on the available evidence, the clinical significance of this variant remains unclear.

Labcorp Genetics (formerly Invitae), Labcorp
Classification: Uncertain significance for Familial cancer of breast; Fanconi anemia complementation group J. Last evaluated: 2022-03-08. Review status: criteria provided, single submitter. Criteria: Invitae Variant Classification Sherloc (09022015). Collection method: clinical testing. Allele origin: germline.
Comment: In summary, the available evidence is currently insufficient to determine the role of this variant in disease. Therefore, it has been classified as a Variant of Uncertain Significance. Variants that disrupt the consensus splice site are a relatively common cause of aberrant splicing (PMID: 17576681, 9536098). Algorithms developed to predict the effect of sequence changes on RNA splicing suggest that this variant may disrupt the consensus splice site. Algorithms developed to predict the effect of missense changes on protein structure and function (SIFT, PolyPhen-2, Align-GVGD) all suggest that this variant is likely to be disruptive. ClinVar contains an entry for this variant (Variation ID: 461112). This variant has not been reported in the literature in individuals affected with BRIP1-related conditions. This variant is present in population databases (rs771382903, gnomAD 0.006%). This sequence change replaces arginine, which is basic and polar, with lysine, which is basic and polar, at codon 831 of the BRIP1 protein (p.Arg831Lys). This variant also falls at the last nucleotide of exon 17, which is part of the consensus splice site for this exon.

Literature cited by the submitters: PubMed 17576681 (cited by Labcorp Genetics (formerly Invitae), Labcorp); PubMed 9536098 (cited by Labcorp Genetics (formerly Invitae), Labcorp).